The following is an entry in ClinVar:

ClinVar aggregate classification (germline): Benign/Likely benign. Review status: criteria provided, multiple submitters, no conflicts (2 of 4 stars). 4 submissions from 4 submitters: Benign (2); Likely benign (1). 1 of the submissions does not count toward it. Last evaluated 2026-05-01.

Conditions:
PRSS12-related disorder. Also called: PRSS12-related condition.
Intellectual developmental disorder, autosomal recessive 1. Also called: Intellectual disability, autosomal recessive 1; MENTAL RETARDATION, AUTOSOMAL RECESSIVE 1. Identifiers: Orphanet 88616, MedGen C1855304, MONDO:0009580, OMIM 249500.

Allele frequency attached by ClinVar (database versions not stated): 1000 Genomes Project 0.00280; gnomAD exomes 0.00036 and 0.00119; TOPMed 0.00064; ExAC 0.00109; 1000 Genomes Project 30x 0.00250; gnomAD 0.00031 and 0.00051.
gnomAD v4.1: 607 of 1,613,936 alleles (0.038%); highest among the groups gnomAD compares: East Asian, 1.1%; 9 homozygotes.

Submissions (4):

CeGaT Center for Human Genetics Tuebingen
Classification: Likely benign. Last evaluated: 2026-05-01. Review status: criteria provided, single submitter. Criteria: CeGaT Center For Human Genetics Tuebingen Variant Classification Criteria Version 2. Collection method: clinical testing. Allele origin: germline. Affected: yes. Observed: 2 variant alleles.
Comment: PRSS12: BP4, BP7, BS1

Labcorp Genetics (formerly Invitae), Labcorp
Classification: Benign. Last evaluated: 2019-12-31. Review status: criteria provided, single submitter. Criteria: Invitae Variant Classification Sherloc (09022015). Collection method: clinical testing. Allele origin: germline.

Illumina Laboratory Services, Illumina
Classification: Benign for Intellectual developmental disorder, autosomal recessive 1. Last evaluated: 2018-01-12. Review status: criteria provided, single submitter. Criteria: ICSL Variant Classification Criteria 13 December 2019. Collection method: clinical testing. Allele origin: germline.
Comment: This variant was observed in the ICSL laboratory as part of a predisposition screen in an ostensibly healthy population. It had not been previously curated by ICSL or reported in the Human Gene Mutation Database (HGMD: prior to June 1st, 2018), and was therefore a candidate for classification through an automated scoring system. Utilizing variant allele frequency, disease prevalence and penetrance estimates, and inheritance mode, an automated score was calculated to assess if this variant is too frequent to cause the disease. Based on the score and internal cut-off values, a variant classified as benign is not then subjected to further curation. The score for this variant resulted in a classification of benign for this disease.

PreventionGenetics, part of Exact Sciences
Classification: Benign for PRSS12-related condition. Last evaluated: 2019-06-25. Review status: no assertion criteria provided. Collection method: clinical testing. Allele origin: germline. Not counted in ClinVar's aggregate classification.
Comment: This variant is classified as benign based on ACMG/AMP sequence variant interpretation guidelines (Richards et al. 2015 PMID: 25741868, with internal and published modifications).

NM_003619.4(PRSS12):c.1144C>T (p.Leu382=)

Gene: PRSS12 (serine protease 12; minus strand). Cytogenetic location: 4q26.
Variant type: single nucleotide variant.
Coding change: c.1144C>T on transcript NM_003619.4 (MANE Select); coding-DNA position 1144, C replaced by T.
Protein change: p.Leu382=; no amino-acid change (leucine 382 retained).
Molecular consequence: synonymous variant.
Genome position (GRCh38, 1-based): chr4:118,318,384, G>A on the plus strand (C>T on the coding strand, the complement: PRSS12 is on the minus strand). VCF-style: chr4-118318384-G-A. GRCh37 (hg19) VCF-style: chr4-119239539-G-A.
Identifiers: ClinVar variation 719126 (VCV000719126.27), dbSNP rs146677360, ClinGen allele CA3055723.
Genomic context (GRCh38, chr4:118,318,384, plus strand): 5'-GCCGACATGGTACTGGGGGCAAGAACTGGTACACTAATGGAGTGAAATCCTTACCTGTTA[G>A]AGGGGTACAGGACACTCCAGCATCTTCTTTATGGCCACAGTTATGCTCTCCCCAGGAGCT-3'
Protein context (NP_003610.2, residues 372-392): KEDAGVSCTP[Leu382=]TDGVIRLAGG